The following is an entry in ClinVar:

NM_004646.4(NPHS1):c.794G>C (p.Cys265Ser)

Gene: NPHS1 (NPHS1 adhesion molecule, nephrin; minus strand). Cytogenetic location: 19q13.12.
Variant type: single nucleotide variant.
Coding change: c.794G>C on transcript NM_004646.4 (MANE Select); coding-DNA position 794, G replaced by C.
Protein change: p.Cys265Ser; replaces cysteine 265 with serine.
Molecular consequence: missense variant.
Genome position (GRCh38, 1-based): chr19:35,849,282, C>G on the plus strand (G>C on the coding strand, the complement: NPHS1 is on the minus strand). VCF-style: chr19-35849282-C-G. GRCh37 (hg19) VCF-style: chr19-36340184-C-G.
Other names: c.794G>C (NM_004646.3); short protein forms C265S.
Identifiers: ClinVar variation 1339085 (VCV001339085.10), dbSNP rs748287435, ClinGen allele CA9390655.

ClinVar aggregate classification (germline): Conflicting classifications of pathogenicity. Review status: criteria provided, conflicting classifications (1 of 4 stars). 4 submissions from 4 submitters: Likely pathogenic (2); Uncertain significance (2). Last evaluated 2025-04-25.

Conditions:
Finnish congenital nephrotic syndrome (NPHS1). Also called: NEPHROTIC SYNDROME, TYPE 1. Identifiers: Orphanet 839, MedGen C0403399, MONDO:0009732, OMIM 256300.

Allele frequency attached by ClinVar (database versions not stated): gnomAD 0.00001; gnomAD exomes 0.00001 and 0.00003; ExAC 0.00005.

Submissions (4):

Natera, Inc.
Classification: Likely pathogenic for Finnish congenital nephrotic syndrome. Last evaluated: 2025-04-25. Review status: criteria provided, single submitter. Criteria: Natera Variant Classification Schema (03/2026). Collection method: clinical testing. Allele origin: germline.
Comment: The c.794G>C variant in NPHS1 is a missense variant predicted to cause substitution of cysteine to serine at amino acid 265. This variant is rare in the general population with a frequency below the threshold expected for the associated phenotype(s). This variant has been observed in one or more individuals affected with the associated recessive disease, as either homozygous or compound heterozygous with a second variant (PMID: 30215773). A different variant at the same position has been determined to be Pathogenic or Likely Pathogenic. Computational prediction algorithms indicate this variant is likely to affect gene or protein function. Given the available evidence, this variant is classified as Likely Pathogenic.

Labcorp Genetics (formerly Invitae), Labcorp
Classification: Likely pathogenic. Last evaluated: 2023-04-08. Review status: criteria provided, single submitter. Criteria: Invitae Variant Classification Sherloc (09022015). Collection method: clinical testing. Allele origin: germline.
Comment: This sequence change replaces cysteine, which is neutral and slightly polar, with serine, which is neutral and polar, at codon 265 of the NPHS1 protein (p.Cys265Ser). This variant is present in population databases (rs748287435, gnomAD 0.02%). In summary, the currently available evidence indicates that the variant is pathogenic, but additional data are needed to prove that conclusively. Therefore, this variant has been classified as Likely Pathogenic. This variant disrupts the p.Cys265 amino acid residue in NPHS1. Other variant(s) that disrupt this residue have been determined to be pathogenic (PMID: 17290294, 19443487). This suggests that this residue is clinically significant, and that variants that disrupt this residue are likely to be disease-causing. Advanced modeling of protein sequence and biophysical properties (such as structural, functional, and spatial information, amino acid conservation, physicochemical variation, residue mobility, and thermodynamic stability) performed at Invitae indicates that this missense variant is expected to disrupt NPHS1 protein function. ClinVar contains an entry for this variant (Variation ID: 1339085). This variant has not been reported in the literature in individuals affected with NPHS1-related conditions.

Blueprint Genetics
Classification: Uncertain significance. Last evaluated: 2021-05-04. Review status: criteria provided, single submitter. Criteria: ACMG Guidelines, 2015. Collection method: clinical testing. Allele origin: germline.

Neuberg Centre For Genomic Medicine, NCGM
Classification: Uncertain significance for Finnish congenital nephrotic syndrome. Review status: criteria provided, single submitter. Criteria: ACMG Guidelines, 2015. Collection method: clinical testing. Allele origin: germline. Affected: yes.
Comment: The missense variant p.C265S in NPHS1 (NM_004646.4) has not been reported previously as a pathogenic variant nor as a benign variant, to our knowledge. The p.C265S variant is observed in 7/30,606 (0.0229%) alleles from individuals of South Asian background in gnomAD Exomes and is novel (not in any individuals) in 1000 Genomes. The p.C265S missense variant is predicted to be damaging by both SIFT and PolyPhen2. The cysteine residue at codon 265 of NPHS1 is conserved in all mammalian species. The nucleotide c.794 in NPHS1 is predicted conserved by GERP++ and PhyloP across 100 vertebrates. For these reasons, this variant has been classified as Uncertain Significance.

Literature cited by the submitters: PubMed 30215773 (cited by Natera, Inc.); PubMed 17290294 (cited by Labcorp Genetics (formerly Invitae), Labcorp); PubMed 19443487 (cited by Labcorp Genetics (formerly Invitae), Labcorp).